The following is an entry in ClinVar:

ClinVar aggregate classification (germline): Likely pathogenic (1 of 4 stars; one submission).

Submission:

CeGaT Center for Human Genetics Tuebingen
Classification: Likely pathogenic. Last evaluated: 2025-01-01. Review status: criteria provided, single submitter. Criteria: CeGaT Center For Human Genetics Tuebingen Variant Classification Criteria Version 2. Collection method: clinical testing. Allele origin: germline. Affected: yes. Observed: 2 variant alleles.
Comment: TTN: PVS1:Strong, PM2

NM_001267550.2(TTN):c.47343dup (p.Pro15782fs)

Genes: TTN (titin; minus strand), TTN-AS1 (TTN antisense RNA 1; plus strand). Cytogenetic location: 2q31.2.
Variant type: Duplication.
Coding change: c.47343dup on transcript NM_001267550.2 (MANE Select); coding-DNA position 47343, one base duplicated (A; older notation c.47343dupA).
Protein change: p.Pro15782fs; shifts the reading frame from proline 15782.
Molecular consequence: frameshift variant.
Genome position (GRCh38, 1-based): chr2:178,618,008, T duplicated on the plus strand (A on the coding strand, the reverse complement: TTN is on the minus strand). VCF-style (leftmost placement, unchanged base first): chr2-178618007-G-GT. GRCh37 (hg19) VCF-style: chr2-179482734-G-GT.
Other names: c.42420dup, p.Pro14141fs (NM_001256850.1); c.20148dup, p.Pro6717fs (NM_003319.4); c.39639dup, p.Pro13214fs (NM_133378.4); c.20523dup, p.Pro6842fs (NM_133432.3); c.20724dup, p.Pro6909fs (NM_133437.4); short protein forms P13214fs, P14141fs, P15782fs, P6717fs, P6842fs, P6909fs.
Identifiers: ClinVar variation 3772298 (VCV003772298.13).
Genomic context (GRCh38, chr2:178,618,007, plus strand): 5'-AAGTCTTGTCTCTTAATTCAATGACGTAGTTTGTGATCTCAGCACCTCCATCATACTCTG[G>GT]TGGTTCCCATGTCAGTGAGACACCAAATCGATTCACATCAGTGATGGTTACATTCAAAGG-3'